The following is an entry in ClinVar:

NM_024809.5(TCTN2):c.374T>G (p.Val125Gly)

Gene: TCTN2 (tectonic family member 2; plus strand). Cytogenetic location: 12q24.31.
Variant type: single nucleotide variant.
Coding change: c.374T>G on transcript NM_024809.5 (MANE Select); coding-DNA position 374, T replaced by G.
Protein change: p.Val125Gly; replaces valine 125 with glycine.
Molecular consequence: missense variant.
Genome position (GRCh38, 1-based): chr12:123,673,721, T>G. VCF-style: chr12-123673721-T-G. GRCh37 (hg19) VCF-style: chr12-124158268-T-G.
Other names: c.371T>G, p.Val124Gly (NM_001143850.3); c.374T>G, p.Val125Gly (NM_001410989.1); short protein forms V124G, V125G.
Identifiers: ClinVar variation 2056789 (VCV002056789.4), dbSNP rs2541751392, ClinGen allele CA387157013.
Genomic context (GRCh38, chr12:123,673,721, plus strand): 5'-GTTCCTCCAATGAGACAGATTCCTTCTCAGAGTCCCCCTGTATCCTCCAGACCCTTCTGG[T>G]TTCAGCATCTCATAATTCATCCTGTTCAGCACATCTACTCATTCAAGTGGAAATTTATGC-3'
Protein context (NP_079085.2, residues 115-135): ESPCILQTLL[Val125Gly]SASHNSSCSA

ClinVar aggregate classification (germline): Uncertain significance (1 of 4 stars; one submission).

Conditions:
Joubert syndrome. Also called: CEREBELLOPARENCHYMAL DISORDER IV; JOUBERT-BOLTSHAUSER SYNDROME; Familial aplasia of the vermis. Identifiers: Orphanet 475, MedGen C5979921, MONDO:0018772.
Meckel-Gruber syndrome. Also called: DYSENCEPHALIA SPLANCHNOCYSTICA; GRUBER SYNDROME; Dysencephalia splachnocystica. Identifiers: Orphanet 564, MedGen C0265215, MONDO:0018921.

Allele frequency attached by ClinVar (database versions not stated): gnomAD exomes below 0.00001.
gnomAD v4.1: 1 of 1,614,186 alleles (0.000062%); highest among the groups gnomAD compares: South Asian, 0.0011%; no homozygotes.

Submission:

Labcorp Genetics (formerly Invitae), Labcorp
Classification: Uncertain significance for Joubert syndrome; Meckel-Gruber syndrome. Last evaluated: 2022-05-27. Review status: criteria provided, single submitter. Criteria: Invitae Variant Classification Sherloc (09022015). Collection method: clinical testing. Allele origin: germline.
Comment: In summary, the available evidence is currently insufficient to determine the role of this variant in disease. Therefore, it has been classified as a Variant of Uncertain Significance. Algorithms developed to predict the effect of missense changes on protein structure and function (SIFT, PolyPhen-2, Align-GVGD) all suggest that this variant is likely to be disruptive. This variant has not been reported in the literature in individuals affected with TCTN2-related conditions. This variant is not present in population databases (gnomAD no frequency). This sequence change replaces valine, which is neutral and non-polar, with glycine, which is neutral and non-polar, at codon 125 of the TCTN2 protein (p.Val125Gly).